The following is an entry in ClinVar:

ClinVar aggregate classification (germline): Uncertain significance. Review status: criteria provided, multiple submitters, no conflicts (2 of 4 stars). 6 submissions from 6 submitters: Uncertain significance (6). Last evaluated 2025-12-15.

Conditions:
Fanconi anemia complementation group A (FANCA). Also called: FANCA-Related Fanconi Anemia; Fanconi anemia, group A. Identifiers: Orphanet 84, MedGen C3469521, MONDO:0009215, OMIM 227650.
Fanconi anemia (FA). Also called: Fanconi's anemia. Identifiers: Orphanet 84, MedGen C0015625, MeSH D005199, MONDO:0019391.

Allele frequency attached by ClinVar (database versions not stated): gnomAD exomes 0.00007 and 0.00004; ExAC 0.00007; gnomAD 0.00011 and 0.00013; TOPMed 0.00020; ESP Exome Variant Server 0.00023.

Submissions (6):

Labcorp Genetics (formerly Invitae), Labcorp
Classification: Uncertain significance for Fanconi anemia. Last evaluated: 2025-12-15. Review status: criteria provided, single submitter. Criteria: Invitae Variant Classification Sherloc (09022015). Collection method: clinical testing. Allele origin: germline.
Comment: This sequence change replaces glutamic acid, which is acidic and polar, with lysine, which is basic and polar, at codon 1814 of the FANCM protein (p.Glu1814Lys). This variant is present in population databases (rs139074680, gnomAD 0.04%). This missense change has been observed in individual(s) with breast cancer (PMID: 36707629). ClinVar contains an entry for this variant (Variation ID: 803023). An algorithm developed to predict the effect of missense changes on protein structure and function outputs the following: PolyPhen-2: "Benign". The lysine amino acid residue is found in multiple mammalian species, which suggests that this missense change does not adversely affect protein function. In summary, the available evidence is currently insufficient to determine the role of this variant in disease. Therefore, it has been classified as a Variant of Uncertain Significance.

Dasa
Classification: Uncertain significance. Last evaluated: 2025-08-18. Review status: criteria provided, single submitter. Criteria: DASA Assertion Criteria. Collection method: clinical testing. Allele origin: germline.
Comment: NM_020937.4(FANCM):c.5440G>A (p.Glu1814Lys) is a missense variant that results in the substitution of glutamic acid with lysine. This variant is rare in population databases. Computational prediction algorithms are consistent with a benign effect. The currently available literature and clinical evidence are not sufficient to establish a definitive association between this variant and the reported condition. Therefore, this variant is classified as a variant of uncertain significance.

GeneDx
Classification: Uncertain significance. Last evaluated: 2024-03-13. Review status: criteria provided, single submitter. Criteria: GeneDx Variant Classification Process June 2021. Collection method: clinical testing. Allele origin: germline. Affected: yes.
Comment: In silico analysis supports that this missense variant does not alter protein structure/function; Has not been previously published as pathogenic or benign to our knowledge

Quest Diagnostics Nichols Institute San Juan Capistrano
Classification: Uncertain significance. Last evaluated: 2024-02-15. Review status: criteria provided, single submitter. Criteria: Quest Diagnostics criteria. Collection method: clinical testing. Allele origin: unknown.
Comment: The FANCM c.5440G>A (p.Glu1814Lys) variant has been observed in the published literature in individuals with breast cancer (PMIDs: 33471991 (2021) and 36707629 (2023), see also LOVD) as well as reportedly healthy individuals (PMIDs: 28881617 (2017), 33471991 (2021), and 36707629 (2023), see also LOVD).The frequency of this variant in the general population, 0.0004 (10/24968 chromosomes (Genome Aggregation Database)), is uninformative in the assessment of its pathogenicity. Analysis of this variant using bioinformatics tools for the prediction of the effect of amino acid changes on protein structure and function yielded predictions that this variant is benign. Based on the available information, we are unable to determine the clinical significance of this variant.

Mendelics
Classification: Uncertain significance for Fanconi anemia complementation group A. Last evaluated: 2019-05-28. Review status: criteria provided, single submitter. Criteria: Mendelics Assertion Criteria 2017. Collection method: clinical testing. Allele origin: unknown.

Breakthrough Genomics
Classification: Uncertain significance. Review status: criteria provided, single submitter. Criteria: ACMG Guidelines, 2015. Collection method: not provided. Allele origin: germline. Inheritance: Autosomal recessive inheritance. Affected: yes.

Literature cited by the submitters: PubMed 36707629 (cited by Labcorp Genetics (formerly Invitae), Labcorp and Quest Diagnostics Nichols Institute San Juan Capistrano); PubMed 33471991 (cited by Quest Diagnostics Nichols Institute San Juan Capistrano); PubMed 28881617 (cited by Quest Diagnostics Nichols Institute San Juan Capistrano); PubMed 29461635 (cited by Quest Diagnostics Nichols Institute San Juan Capistrano); PubMed 37349538 (cited by Quest Diagnostics Nichols Institute San Juan Capistrano).

NM_020937.4(FANCM):c.5440G>A (p.Glu1814Lys)

Gene: FANCM (FA complementation group M; plus strand). Cytogenetic location: 14q21.2.
Variant type: single nucleotide variant.
Coding change: c.5440G>A on transcript NM_020937.4 (MANE Select); coding-DNA position 5440, G replaced by A.
Protein change: p.Glu1814Lys; replaces glutamic acid 1814 with lysine.
Molecular consequence: missense variant.
Genome position (GRCh38, 1-based): chr14:45,196,271, G>A. VCF-style: chr14-45196271-G-A. GRCh37 (hg19) VCF-style: chr14-45665474-G-A.
Other names: c.5362G>A, p.Glu1788Lys (NM_001308133.2); c.5440G>A (NM_020937.3); short protein forms E1788K, E1814K.
Identifiers: ClinVar variation 803023 (VCV000803023.17), dbSNP rs139074680, ClinGen allele CA7170006.